The following is an entry in ClinVar:

NM_001173467.3(SP7):c.1093C>T (p.Arg365Ter)

Gene: SP7 (Sp7 transcription factor; minus strand). Cytogenetic location: 12q13.13.
Variant type: single nucleotide variant.
Coding change: c.1093C>T on transcript NM_001173467.3 (MANE Select); coding-DNA position 1093, C replaced by T.
Protein change: p.Arg365Ter; replaces arginine 365 with a stop codon.
Molecular consequence: nonsense.
Genome position (GRCh38, 1-based): chr12:53,328,349, G>A on the plus strand (C>T on the coding strand, the complement: SP7 is on the minus strand). VCF-style: chr12-53328349-G-A. GRCh37 (hg19) VCF-style: chr12-53722133-G-A.
Other names: c.1039C>T, p.Arg347Ter (NM_001300837.2); c.1093C>T, p.Arg365Ter (NM_152860.2); short protein forms R347*, R365*.
Identifiers: ClinVar variation 829874 (VCV000829874.7), dbSNP rs1427780619, ClinGen allele CA385051400.

ClinVar aggregate classification (germline): Uncertain significance. Review status: criteria provided, multiple submitters, no conflicts (2 of 4 stars). 3 submissions from 3 submitters: Uncertain significance (2). 1 of the submissions does not count toward it. Last evaluated 2021-06-24.

Conditions:
Osteogenesis imperfecta type 12 (OI12). Also called: Osteogenesis imperfecta, type XII; OI, TYPE XII. Identifiers: Orphanet 666, MedGen C3151433, MONDO:0013460, OMIM 613849.

Allele frequency attached by ClinVar (database versions not stated): gnomAD exomes below 0.00001.
gnomAD v4.1: 2 of 1,612,450 alleles (0.00012%); highest among the groups gnomAD compares: Non-Finnish European, 0.00017%; no homozygotes.

Submissions (3):

Labcorp Genetics (formerly Invitae), Labcorp
Classification: Uncertain significance. Last evaluated: 2021-06-24. Review status: criteria provided, single submitter. Criteria: Invitae Variant Classification Sherloc (09022015). Collection method: clinical testing. Allele origin: germline.
Comment: This sequence change creates a premature translational stop signal (p.Arg365*) in the SP7 gene. While this is not anticipated to result in nonsense mediated decay, it is expected to disrupt the last 67 amino acid(s) of the SP7 protein. This variant is not present in population databases (ExAC no frequency). This variant has not been reported in the literature in individuals affected with SP7-related conditions. ClinVar contains an entry for this variant (Variation ID: 829874). In summary, the available evidence is currently insufficient to determine the role of this variant in disease. Therefore, it has been classified as a Variant of Uncertain Significance.

Breda Genetics srl
Classification: Uncertain significance for Osteogenesis imperfecta type 12. Last evaluated: 2020-12-19. Review status: criteria provided, single submitter. Criteria: ACMG Guidelines, 2015. Collection method: clinical testing. Allele origin: germline. Inheritance: Autosomal recessive inheritance. Affected: yes. Observed: 1 variant allele, 1 heterozygote.
Comment: The variant c.1093C>T (p.Arg365*) in the SP7 gene is reported as uncertain for osteogenesis imperfecta type 12 in ClinVar (Variation ID: 829874) and as probably not affecting function in Global Variome shared LOVD database v.3.0. It creates a premature stop codon at amino acid position Arg365, which is likely to result in a truncated protein. However, the variant falls in the last exon of the gene and 67 amino acid position upstream the wild-type stop codon, therefore it is uncertain if the alteration of the C-terminal end of the SP7 protein can be considered as pathogenic for the disease. The variant is reported with an estimated allele frequency of 0.000004027 in gnomAD exomes, with no homozygous individuals reported. Based on ACMG variant interpretation guidelines we classify this variant as uncertain; however we cannot exclude that it is a rare benign variant.

Bioscientia Institut fuer Medizinische Diagnostik GmbH, Sonic Healthcare
Classification: Uncertain significance for Osteogenesis imperfecta type 12. Last evaluated: 2019-06-25. Review status: no assertion criteria provided. Collection method: clinical testing. Allele origin: germline. Affected: yes. Not counted in ClinVar's aggregate classification.